The following is an entry in ClinVar:

NM_002890.3(RASA1):c.2596C>T (p.Leu866Phe)

Genes: CCNH (cyclin H; minus strand), RASA1 (RAS p21 protein activator 1; plus strand). Cytogenetic location: 5q14.3.
Variant type: single nucleotide variant.
Coding change: c.2596C>T on transcript NM_002890.3 (MANE Select); coding-DNA position 2596, C replaced by T.
Protein change: p.Leu866Phe; replaces leucine 866 with phenylalanine.
Molecular consequence: missense variant. On other transcripts: intron variant (1).
Genome position (GRCh38, 1-based): chr5:87,379,843, C>T. VCF-style: chr5-87379843-C-T. GRCh37 (hg19) VCF-style: chr5-86675660-C-T.
Other names: c.2065C>T, p.Leu689Phe (NM_022650.3); c.933+15201G>A (NM_001364075.2); short protein forms L866F, L689F.
Identifiers: ClinVar variation 4712969 (VCV004712969.1).

ClinVar aggregate classification (germline): Uncertain significance (1 of 4 stars; one submission).

Conditions:
Capillary malformation-arteriovenous malformation syndrome. Also called: Capillary malformation-arteriovenous malformation. Identifiers: Orphanet 137667, MedGen C1842180, MONDO:0012016.

gnomAD v4.1: 3 of 1,612,336 alleles (0.00019%); highest among the groups gnomAD compares: Non-Finnish European, 0.00025%; no homozygotes.

Submission:

Labcorp Genetics (formerly Invitae), Labcorp
Classification: Uncertain significance for Capillary malformation-arteriovenous malformation syndrome. Last evaluated: 2025-02-14. Review status: criteria provided, single submitter. Criteria: Invitae Variant Classification Sherloc (09022015). Collection method: clinical testing. Allele origin: germline.
Comment: This sequence change replaces leucine, which is neutral and non-polar, with phenylalanine, which is neutral and non-polar, at codon 866 of the RASA1 protein (p.Leu866Phe). This variant is present in population databases (rs760491651, gnomAD 0.002%). This variant has not been reported in the literature in individuals affected with RASA1-related conditions. An algorithm developed to predict the effect of missense changes on protein structure and function (PolyPhen-2) suggests that this variant is likely to be disruptive. In summary, the available evidence is currently insufficient to determine the role of this variant in disease. Therefore, it has been classified as a Variant of Uncertain Significance.